The following is an entry in ClinVar:

NM_000252.3(MTM1):c.949dup (p.Met317fs)

Gene: MTM1 (myotubularin 1; plus strand). Cytogenetic location: Xq28.
Variant type: Duplication.
Coding change: c.949dup on transcript NM_000252.3 (MANE Select); coding-DNA position 949, one base duplicated (A; older notation c.949dupA).
Protein change: p.Met317fs; shifts the reading frame from methionine 317.
Molecular consequence: frameshift variant.
Genome position (GRCh38, 1-based): chrX:150,649,797, A duplicated. VCF-style (leftmost placement, unchanged base first): chrX-150649796-T-TA. GRCh37 (hg19) VCF-style: chrX-149818269-T-TA.
Other names: c.949dup, p.Met317fs (NM_001376906.1, NM_001376908.1); c.838dup, p.Met280fs (NM_001376907.1); short protein forms M317fs, M280fs.
Identifiers: ClinVar variation 211538 (VCV000211538.16), dbSNP rs797045722, ClinGen allele CA277460.

ClinVar aggregate classification (germline): Pathogenic. Review status: criteria provided, multiple submitters, no conflicts (2 of 4 stars). 3 submissions from 3 submitters: Pathogenic (3). Last evaluated 2024-07-31.

Conditions:
Severe X-linked myotubular myopathy (CNMX). Also called: MYOTUBULAR MYOPATHY 1; X-linked centronuclear myopathy; Myotubular myopathy, X-linked. Identifiers: Orphanet 596, MedGen C0410203, MONDO:0010683, OMIM 310400.

Submissions (3):

Labcorp Genetics (formerly Invitae), Labcorp
Classification: Pathogenic for Severe X-linked myotubular myopathy. Last evaluated: 2024-07-31. Review status: criteria provided, single submitter. Criteria: Invitae Variant Classification Sherloc (09022015). Collection method: clinical testing. Allele origin: germline.
Comment: This sequence change creates a premature translational stop signal (p.Met317Asnfs*15) in the MTM1 gene. It is expected to result in an absent or disrupted protein product. Loss-of-function variants in MTM1 are known to be pathogenic (PMID: 9305655, 10063835). This variant is not present in population databases (gnomAD no frequency). This variant has not been reported in the literature in individuals affected with MTM1-related conditions. ClinVar contains an entry for this variant (Variation ID: 211538). For these reasons, this variant has been classified as Pathogenic.

Revvity Omics, Revvity
Classification: Pathogenic. Last evaluated: 2019-07-15. Review status: criteria provided, single submitter. Criteria: ACMG Guidelines, 2015. Collection method: clinical testing. Allele origin: germline.

Genetic Services Laboratory, University of Chicago
Classification: Pathogenic for Myotubular myopathy, X-linked. Last evaluated: 2013-04-29. Review status: criteria provided, single submitter. Criteria: ACMG Guidelines, 2007. Collection method: clinical testing. Allele origin: germline. Affected: yes.

Literature cited by the submitters: PubMed 9305655 (cited by Labcorp Genetics (formerly Invitae), Labcorp); PubMed 10063835 (cited by Labcorp Genetics (formerly Invitae), Labcorp).